The following is an entry in ClinVar:

NM_004360.5(CDH1):c.2295+15C>T

Gene: CDH1 (cadherin 1; plus strand). Cytogenetic location: 16q22.1.
Variant type: single nucleotide variant.
Coding change: c.2295+15C>T on transcript NM_004360.5 (MANE Select); 15 bases into the intron after coding-DNA position 2295, C replaced by T.
Molecular consequence: intron variant.
Genome position (GRCh38, 1-based): chr16:68,828,319, C>T. VCF-style: chr16-68828319-C-T. GRCh37 (hg19) VCF-style: chr16-68862222-C-T.
Other names: c.2295+15C>T (LRG_301t1); c.2112+15C>T (NM_001317184.2); c.747+15C>T (NM_001317185.2); c.330+15C>T (NM_001317186.2).
Identifiers: ClinVar variation 381245 (VCV000381245.6), dbSNP rs754578936, ClinGen allele CA8130240.

ClinVar aggregate classification (germline): Likely benign. Review status: criteria provided, multiple submitters, no conflicts (2 of 4 stars). 3 submissions from 3 submitters: Likely benign (3). Last evaluated 2025-11-14.

Conditions:
Hereditary cancer-predisposing syndrome. Also called: Hereditary neoplastic syndrome; Tumor predisposition; Neoplastic Syndromes, Hereditary; Hereditary Cancer Syndrome. Identifiers: Orphanet 140162, MedGen C0027672, MeSH D009386, MONDO:0015356.
Hereditary diffuse gastric adenocarcinoma (HDGC). Also called: DIFFUSE GASTRIC AND LOBULAR BREAST CANCER SYNDROME. Identifiers: Orphanet 26106, MedGen C1708349, MONDO:0007648, OMIM 137215.

Allele frequency attached by ClinVar (database versions not stated): gnomAD exomes below 0.00001; TOPMed below 0.00001; ExAC 0.00001; gnomAD 0.00001.
gnomAD v4.1: 4 of 1,613,586 alleles (0.00025%); highest among the groups gnomAD compares: South Asian, 0.0033%; no homozygotes.

Submissions (3):

Labcorp Genetics (formerly Invitae), Labcorp
Classification: Likely benign for Hereditary diffuse gastric adenocarcinoma. Last evaluated: 2025-11-14. Review status: criteria provided, single submitter. Criteria: Invitae Variant Classification Sherloc (09022015). Collection method: clinical testing. Allele origin: germline.

Color Diagnostics, LLC DBA Color Health
Classification: Likely benign for Hereditary cancer-predisposing syndrome. Last evaluated: 2019-09-16. Review status: criteria provided, single submitter. Criteria: ACMG Guidelines, 2015. Collection method: clinical testing. Allele origin: germline.

GeneDx
Classification: Likely benign. Last evaluated: 2015-11-02. Review status: criteria provided, single submitter. Criteria: GeneDx Variant Classification (06012015). Collection method: clinical testing. Allele origin: germline. Affected: yes.
Comment: This variant is considered likely benign or benign based on one or more of the following criteria: it is a conservative change, it occurs at a poorly conserved position in the protein, it is predicted to be benign by multiple in silico algorithms, and/or has population frequency not consistent with disease.